The following is an entry in ClinVar:

ClinVar aggregate classification (germline): Uncertain significance (1 of 4 stars; one submission).

Submission:

Women's Health and Genetics/Laboratory Corporation of America, LabCorp
Classification: Uncertain significance. Last evaluated: 2026-01-17. Review status: criteria provided, single submitter. Criteria: LabCorp Variant Classification Summary - May 2015. Collection method: clinical testing. Allele origin: germline.
Comment: Variant summary: HBA2 c.325A>G (p.Thr109Ala) results in a non-conservative amino acid change in the encoded protein sequence. Algorithms developed to predict the effect of missense changes on protein structure and function are either unavailable or do not agree on the potential impact of this missense change. The variant was absent in 247506 control chromosomes. The available data on variant occurrences in the general population are insufficient to allow any conclusion about variant significance. c.325A>G has been observed in individual(s) affected with hypochromic and microcytic anemia (example: Hashemi-Soteh_2020). These report(s) do not provide unequivocal conclusions about association of the variant with Alpha Thalassemia. To our knowledge, no experimental evidence demonstrating an impact on protein function has been reported. The following publication has been ascertained in the context of this evaluation (PMID: 31478238). No submitters have cited clinical-significance assessments for this variant to ClinVar. Based on the evidence outlined above, the variant was classified as uncertain significance.

Literature cited by the submitters: PubMed 31478238.

NM_000517.6(HBA2):c.325A>G (p.Thr109Ala)

Genes: HBA2 (hemoglobin subunit alpha 2; plus strand), LOC106804612 (hemoglobin subunit alpha 2 recombination region; plus strand). Cytogenetic location: 16p13.3.
Variant type: single nucleotide variant.
Coding change: c.325A>G on transcript NM_000517.6 (MANE Select); coding-DNA position 325, A replaced by G.
Protein change: p.Thr109Ala; replaces threonine 109 with alanine.
Molecular consequence: missense variant.
Genome position (GRCh38, 1-based): chr16:173,496, A>G. VCF-style: chr16-173496-A-G. GRCh37 (hg19) VCF-style: chr16-223495-A-G.
Other names: short protein forms T109A.
Identifiers: ClinVar variation 4689313 (VCV004689313.1).